The following is an entry in ClinVar:

NM_024529.5(CDC73):c.331del (p.Ser111fs)

Gene: CDC73 (cell division cycle 73; plus strand). Cytogenetic location: 1q31.2.
Variant type: Deletion.
Coding change: c.331del on transcript NM_024529.5 (MANE Select); coding-DNA position 331, one base deleted (A; older notation c.331delA).
Protein change: p.Ser111fs; shifts the reading frame from serine 111.
Molecular consequence: frameshift variant.
Genome position (GRCh38, 1-based): chr1:193,135,414, A deleted; the last of 2 consecutive A bases (chr1:193,135,413-193,135,414); deleting either gives the same sequence. VCF-style (leftmost placement, unchanged base first): chr1-193135412-GA-G. GRCh37 (hg19) VCF-style: chr1-193104542-GA-G.
Other names: short protein forms S111fs.
Identifiers: ClinVar variation 1456469 (VCV001456469.6), dbSNP rs2103121472, ClinGen allele CA2573131360.

ClinVar aggregate classification (germline): Pathogenic (1 of 4 stars; one submission).

Conditions:
Parathyroid carcinoma (PRTC). Also called: Parathyroid gland carcinoma; CDC73-Related Parathyroid Carcinoma. Identifiers: Orphanet 143, MedGen C0687150, MONDO:0012004, OMIM 608266, HP:0006780.

Submission:

Labcorp Genetics (formerly Invitae), Labcorp
Classification: Pathogenic for Parathyroid carcinoma. Last evaluated: 2020-11-13. Review status: criteria provided, single submitter. Criteria: Invitae Variant Classification Sherloc (09022015). Collection method: clinical testing. Allele origin: germline.
Comment: This sequence change creates a premature translational stop signal (p.Ser111Alafs*4) in the CDC73 gene. It is expected to result in an absent or disrupted protein product. Loss-of-function variants in CDC73 are known to be pathogenic (PMID: 12434154). This variant has not been reported in the literature in individuals with CDC73-related conditions. For these reasons, this variant has been classified as Pathogenic. This variant is not present in population databases (ExAC no frequency).

Literature cited by the submitters: PubMed 12434154.